The following is an entry in ClinVar:

ClinVar aggregate classification (germline): Uncertain significance. Review status: criteria provided, multiple submitters, no conflicts (2 of 4 stars). 2 submissions from 2 submitters: Uncertain significance (2). Last evaluated 2023-12-06.

Conditions:
Familial thoracic aortic aneurysm and aortic dissection (TAAD). Also called: Thoracic aortic aneurysms and dissections. Identifiers: Orphanet 91387, MedGen C4707243, MONDO:0019625.
Aortic aneurysm, familial thoracic 4 (AAT4). Also called: AORTIC ANEURYSM/AORTIC DISSECTION AND PATENT DUCTUS ARTERIOSUS. Identifiers: MedGen C1851504, MONDO:0007568, OMIM 132900.

Submissions (2):

Labcorp Genetics (formerly Invitae), Labcorp
Classification: Uncertain significance for Aortic aneurysm, familial thoracic 4. Last evaluated: 2023-12-06. Review status: criteria provided, single submitter. Criteria: Invitae Variant Classification Sherloc (09022015). Collection method: clinical testing. Allele origin: germline.
Comment: This sequence change replaces phenylalanine, which is neutral and non-polar, with cysteine, which is neutral and slightly polar, at codon 1074 of the MYH11 protein (p.Phe1074Cys). This variant is not present in population databases (gnomAD no frequency). This variant has not been reported in the literature in individuals affected with MYH11-related conditions. ClinVar contains an entry for this variant (Variation ID: 2448080). Advanced modeling of protein sequence and biophysical properties (such as structural, functional, and spatial information, amino acid conservation, physicochemical variation, residue mobility, and thermodynamic stability) performed at Invitae indicates that this missense variant is not expected to disrupt MYH11 protein function with a negative predictive value of 95%. In summary, the available evidence is currently insufficient to determine the role of this variant in disease. Therefore, it has been classified as a Variant of Uncertain Significance.

Ambry Genetics
Classification: Uncertain significance for Familial thoracic aortic aneurysm and aortic dissection. Last evaluated: 2023-01-13. Review status: criteria provided, single submitter. Criteria: Ambry Variant Classification Scheme 2023. Collection method: clinical testing. Allele origin: germline.
Comment: The p.F1067C variant (also known as c.3200T>G), located in coding exon 24 of the MYH11 gene, results from a T to G substitution at nucleotide position 3200. The phenylalanine at codon 1067 is replaced by cysteine, an amino acid with highly dissimilar properties. This amino acid position is conserved. In addition, this alteration is predicted to be tolerated by in silico analysis. Since supporting evidence is limited at this time, the clinical significance of this alteration remains unclear.

NM_002474.3(MYH11):c.3200T>G (p.Phe1067Cys)

Gene: MYH11 (myosin heavy chain 11; minus strand). Cytogenetic location: 16p13.11.
Variant type: single nucleotide variant.
Coding change: c.3200T>G on transcript NM_002474.3 (MANE Select); coding-DNA position 3200, T replaced by G.
Protein change: p.Phe1067Cys; replaces phenylalanine 1067 with cysteine.
Molecular consequence: missense variant.
Genome position (GRCh38, 1-based): chr16:15,737,542, A>C on the plus strand (T>G on the coding strand, the complement: MYH11 is on the minus strand). VCF-style: chr16-15737542-A-C. GRCh37 (hg19) VCF-style: chr16-15831399-A-C.
Other names: c.3221T>G, p.Phe1074Cys (NM_001040113.2, NM_001040114.2); c.3200T>G, p.Phe1067Cys (NM_022844.3); short protein forms F1067C, F1074C.
Identifiers: ClinVar variation 2448080 (VCV002448080.5), dbSNP rs2506186190, ClinGen allele CA394863105.
Genomic context (GRCh38, chr16:15,737,542, plus strand): 5'-TTGGCCAGCTGCATCTTGAGCTCTGCGATCTGCGCCTGGAGGTCAGCGATCTGCTCGTGG[A>C]AGTCGCTGGCATCACCCTCCAGCTTCCGTTTCAGCTTCTCCAGCTCCTGTCGGCTCTTCT-3'
Protein context (NP_002465.1, residues 1057-1077): KRKLEGDASD[Phe1067Cys]HEQIADLQAQ